The following is an entry in ClinVar:

ClinVar aggregate classification (germline): Uncertain significance. Review status: criteria provided, multiple submitters, no conflicts (2 of 4 stars). 4 submissions from 4 submitters: Uncertain significance (3). 1 of the submissions does not count toward it. Last evaluated 2026-04-01.

Conditions:
HOXB13-related disorder. Also called: HOXB13-related disorders; HOXB13-related condition.
Hereditary cancer-predisposing syndrome. Also called: Hereditary Cancer Syndrome; Neoplastic Syndromes, Hereditary; Tumor predisposition; Hereditary neoplastic syndrome. Identifiers: Orphanet 140162, MedGen C0027672, MeSH D009386, MONDO:0015356.

Allele frequency attached by ClinVar (database versions not stated): TOPMed 0.00001; gnomAD exomes below 0.00001; ExAC 0.00001.
gnomAD v4.1: 1 of 1,614,076 alleles (0.000062%); highest among the groups gnomAD compares: African/African-American, 0.0013%; no homozygotes.

Submissions (4):

Ambry Genetics
Classification: Uncertain significance for Hereditary cancer-predisposing syndrome. Last evaluated: 2026-04-01. Review status: criteria provided, single submitter. Criteria: Ambry Variant Classification Scheme 2023. Collection method: clinical testing. Allele origin: germline.
Comment: The p.L97Q variant (also known as c.290T>A), located in coding exon 1 of the HOXB13 gene, results from a T to A substitution at nucleotide position 290. The leucine at codon 97 is replaced by glutamine, an amino acid with dissimilar properties. This amino acid position is well conserved in available vertebrate species. In addition, the in silico prediction for this alteration is inconclusive. Based on the available evidence, the clinical significance of this variant remains unclear.

Labcorp Genetics (formerly Invitae), Labcorp
Classification: Uncertain significance. Last evaluated: 2023-12-17. Review status: criteria provided, single submitter. Criteria: Invitae Variant Classification Sherloc (09022015). Collection method: clinical testing. Allele origin: germline.
Comment: This sequence change replaces leucine, which is neutral and non-polar, with glutamine, which is neutral and polar, at codon 97 of the HOXB13 protein (p.Leu97Gln). This variant is present in population databases (rs751865027, gnomAD 0.007%). This variant has not been reported in the literature in individuals affected with HOXB13-related conditions. ClinVar contains an entry for this variant (Variation ID: 937563). Advanced modeling of protein sequence and biophysical properties (such as structural, functional, and spatial information, amino acid conservation, physicochemical variation, residue mobility, and thermodynamic stability) performed at Invitae indicates that this missense variant is not expected to disrupt HOXB13 protein function with a negative predictive value of 80%. In summary, the available evidence is currently insufficient to determine the role of this variant in disease. Therefore, it has been classified as a Variant of Uncertain Significance.

GeneDx
Classification: Uncertain significance. Last evaluated: 2023-07-16. Review status: criteria provided, single submitter. Criteria: GeneDx Variant Classification Process June 2021. Collection method: clinical testing. Allele origin: germline. Affected: yes.
Comment: Not observed at significant frequency in large population cohorts (gnomAD); In silico analysis supports that this missense variant does not alter protein structure/function; Has not been previously published as pathogenic or benign to our knowledge; This variant is associated with the following publications: (PMID: 28272408)

PreventionGenetics, part of Exact Sciences
Classification: Uncertain significance for HOXB13-related condition. Last evaluated: 2024-01-12. Review status: no assertion criteria provided. Collection method: clinical testing. Allele origin: germline. Not counted in ClinVar's aggregate classification.
Comment: The HOXB13 c.290T>A variant is predicted to result in the amino acid substitution p.Leu97Gln. To our knowledge, this variant has not been reported in the literature. This variant is reported in 0.0063% of alleles in individuals of African descent in gnomAD. At this time, the clinical significance of this variant is uncertain due to the absence of conclusive functional and genetic evidence.

NM_006361.6(HOXB13):c.290T>A (p.Leu97Gln)

Gene: HOXB13 (homeobox B13; minus strand). Cytogenetic location: 17q21.32.
Variant type: single nucleotide variant.
Coding change: c.290T>A on transcript NM_006361.6 (MANE Select); coding-DNA position 290, T replaced by A.
Protein change: p.Leu97Gln; replaces leucine 97 with glutamine.
Molecular consequence: missense variant.
Genome position (GRCh38, 1-based): chr17:48,728,304, A>T on the plus strand (T>A on the coding strand, the complement: HOXB13 is on the minus strand). VCF-style: chr17-48728304-A-T. GRCh37 (hg19) VCF-style: chr17-46805666-A-T.
Other names: short protein forms L97Q.
Identifiers: ClinVar variation 937563 (VCV000937563.13), dbSNP rs751865027, ClinGen allele CA8634024.